The following is an entry in ClinVar:

ClinVar aggregate classification (germline): Benign/Likely benign. Review status: criteria provided, multiple submitters, no conflicts (2 of 4 stars). 6 submissions from 6 submitters: Benign (5); Likely benign (1). Last evaluated 2026-02-01.

Conditions:
Maple syrup urine disease (MSUD). Identifiers: Orphanet 511, MedGen C0024776, MeSH D008375, MONDO:0009563. Disease mechanism: loss of function.

Allele frequency attached by ClinVar (database versions not stated): gnomAD exomes 0.00043 and 0.00105; ExAC 0.00126; gnomAD 0.00319 and 0.00341; TOPMed 0.00325; ESP Exome Variant Server 0.00392; 1000 Genomes Project 30x 0.00562; 1000 Genomes Project 0.00619.
gnomAD v4.1: 1,144 of 1,613,922 alleles (0.071%); highest among the groups gnomAD compares: African/African-American, 1.1%; 5 homozygotes.

Submissions (6):

Labcorp Genetics (formerly Invitae), Labcorp
Classification: Benign for Maple syrup urine disease. Last evaluated: 2026-02-01. Review status: criteria provided, single submitter. Criteria: Invitae Variant Classification Sherloc (09022015). Collection method: clinical testing. Allele origin: germline.

Blueprint Genetics
Classification: Likely benign. Last evaluated: 2024-11-13. Review status: criteria provided, single submitter. Criteria: ACMG Guidelines, 2015. Collection method: clinical testing. Allele origin: germline.

Genome-Nilou Lab
Classification: Benign for Maple syrup urine disease type 1A. Last evaluated: 2023-04-11. Review status: criteria provided, single submitter. Criteria: ACMG Guidelines, 2015. Collection method: clinical testing. Allele origin: germline. Affected: no.

Illumina Laboratory Services, Illumina
Classification: Benign for Maple syrup urine disease type 1A. Last evaluated: 2018-01-13. Review status: criteria provided, single submitter. Criteria: ICSL Variant Classification Criteria 13 December 2019. Collection method: clinical testing. Allele origin: germline.
Comment: This variant was observed in the ICSL laboratory as part of a predisposition screen in an ostensibly healthy population. It had not been previously curated by ICSL or reported in the Human Gene Mutation Database (HGMD: prior to June 1st, 2018), and was therefore a candidate for classification through an automated scoring system. Utilizing variant allele frequency, disease prevalence and penetrance estimates, and inheritance mode, an automated score was calculated to assess if this variant is too frequent to cause the disease. Based on the score and internal cut-off values, a variant classified as benign is not then subjected to further curation. The score for this variant resulted in a classification of benign for this disease.

GeneDx
Classification: Benign. Last evaluated: 2017-12-05. Review status: criteria provided, single submitter. Criteria: GeneDx Variant Classification (06012015). Collection method: clinical testing. Allele origin: germline. Affected: yes.
Comment: This variant is considered likely benign or benign based on one or more of the following criteria: it is a conservative change, it occurs at a poorly conserved position in the protein, it is predicted to be benign by multiple in silico algorithms, and/or has population frequency not consistent with disease.

Breakthrough Genomics
Classification: Benign. Review status: criteria provided, single submitter. Criteria: ACMG Guidelines, 2015. Collection method: not provided. Allele origin: germline. Inheritance: Autosomal recessive inheritance. Affected: yes.

NM_001918.5(DBT):c.506G>A (p.Arg169Gln)

Gene: DBT (dihydrolipoamide branched chain transacylase E2; minus strand). Cytogenetic location: 1p21.2.
Variant type: single nucleotide variant.
Coding change: c.506G>A on transcript NM_001918.5 (MANE Select); coding-DNA position 506, G replaced by A.
Protein change: p.Arg169Gln; replaces arginine 169 with glutamine.
Molecular consequence: missense variant.
Genome position (GRCh38, 1-based): chr1:100,218,675, C>T on the plus strand (G>A on the coding strand, the complement: DBT is on the minus strand). VCF-style: chr1-100218675-C-T. GRCh37 (hg19) VCF-style: chr1-100684231-C-T.
Other names: short protein forms R169Q.
Identifiers: ClinVar variation 291455 (VCV000291455.20), dbSNP rs34267966, ClinGen allele CA969724.